The following is an entry in ClinVar:

ClinVar aggregate classification (germline): Uncertain significance (1 of 4 stars; one submission).

Conditions:
Familial adenomatous polyposis 1 (FAP1). Also called: FAMILIAL ADENOMATOUS POLYPOSIS 1, ATTENUATED; POLYPOSIS, ADENOMATOUS INTESTINAL. Identifiers: MedGen C2713442, MONDO:0021056, OMIM 175100. Disease mechanism: loss of function.

Allele frequency attached by ClinVar (database versions not stated): TOPMed below 0.00001.

Submission:

Labcorp Genetics (formerly Invitae), Labcorp
Classification: Uncertain significance for Familial adenomatous polyposis 1. Last evaluated: 2023-05-13. Review status: criteria provided, single submitter. Criteria: Invitae Variant Classification Sherloc (09022015). Collection method: clinical testing. Allele origin: germline.
Comment: In summary, the available evidence is currently insufficient to determine the role of this variant in disease. Therefore, it has been classified as a Variant of Uncertain Significance. Advanced modeling of protein sequence and biophysical properties (such as structural, functional, and spatial information, amino acid conservation, physicochemical variation, residue mobility, and thermodynamic stability) performed at Invitae indicates that this missense variant is not expected to disrupt APC protein function. This variant has not been reported in the literature in individuals affected with APC-related conditions. This variant is not present in population databases (gnomAD no frequency). This sequence change replaces asparagine, which is neutral and polar, with lysine, which is basic and polar, at codon 804 of the APC protein (p.Asn804Lys).

NM_000038.6(APC):c.2412T>G (p.Asn804Lys)

Gene: APC (APC regulator of Wnt signaling pathway; plus strand). Cytogenetic location: 5q22.2.
Variant type: single nucleotide variant.
Coding change: c.2412T>G on transcript NM_000038.6 (MANE Select); coding-DNA position 2412, T replaced by G.
Protein change: p.Asn804Lys; replaces asparagine 804 with lysine.
Molecular consequence: missense variant. On other transcripts: non-coding transcript variant (2).
Genome position (GRCh38, 1-based): chr5:112,838,006, T>G. VCF-style: chr5-112838006-T-G. GRCh37 (hg19) VCF-style: chr5-112173703-T-G.
Other names: c.2496T>G, p.Asn832Lys (NM_001407446.1); c.2466T>G, p.Asn822Lys (NM_001407447.1, NM_001407448.1, NM_001407449.1 and 1 more transcripts); c.2412T>G, p.Asn804Lys (NM_001407450.1, NM_001127510.3, NM_001354895.2); c.2391T>G, p.Asn797Lys (NM_001407451.1); c.2382T>G, p.Asn794Lys (NM_001407452.1); c.2235T>G, p.Asn745Lys (NM_001407453.1, NM_001354901.2); c.2163T>G, p.Asn721Lys (NM_001407454.1, NM_001407455.1, NM_001407456.1 and 1 more transcripts); c.2109T>G, p.Asn703Lys (NM_001407458.1, NM_001407459.1, NM_001407460.1 and 1 more transcripts); and 11 more; short protein forms N675K, N721K, N794K, N814K, N832K, N745K, N786K, N420K.
Identifiers: ClinVar variation 2863841 (VCV002863841.3), dbSNP rs1765173482, ClinGen allele CA16026632.